The following is an entry in ClinVar:

ClinVar aggregate classification (germline): Uncertain significance. Review status: criteria provided, multiple submitters, no conflicts (2 of 4 stars). 4 submissions from 4 submitters: Uncertain significance (4). Last evaluated 2025-03-05.

Conditions:
Inborn genetic diseases. Identifiers: MedGen C0950123, MeSH D030342.
Nemaline myopathy 5 (NEM5A). Also called: Nemaline myopathy 5, Amish type; NEMALINE MYOPATHY 5A, AUTOSOMAL RECESSIVE, SEVERE INFANTILE; NEMALINE MYOPATHY, AMISH TYPE. Identifiers: Orphanet 98902, MedGen C1854380, MONDO:0011539, OMIM 605355.

Allele frequency attached by ClinVar (database versions not stated): gnomAD 0.00006 and 0.00005; gnomAD exomes 0.00008 and 0.00004; ExAC 0.00010; ESP Exome Variant Server 0.00008; TOPMed 0.00010.
gnomAD v4.1: 73 of 1,614,094 alleles (0.0045%); highest among the groups gnomAD compares: East Asian, 0.027%; no homozygotes.

Submissions (4):

Revvity Omics, Revvity
Classification: Uncertain significance. Last evaluated: 2025-03-05. Review status: criteria provided, single submitter. Criteria: ACMG Guidelines, 2015. Collection method: clinical testing. Allele origin: germline.

Labcorp Genetics (formerly Invitae), Labcorp
Classification: Uncertain significance for Nemaline myopathy 5. Last evaluated: 2023-11-13. Review status: criteria provided, single submitter. Criteria: Invitae Variant Classification Sherloc (09022015). Collection method: clinical testing. Allele origin: germline.
Comment: This sequence change replaces glycine, which is neutral and non-polar, with serine, which is neutral and polar, at codon 163 of the TNNT1 protein (p.Gly163Ser). This variant is present in population databases (rs374891900, gnomAD 0.06%). This variant has not been reported in the literature in individuals affected with TNNT1-related conditions. ClinVar contains an entry for this variant (Variation ID: 894347). Advanced modeling of protein sequence and biophysical properties (such as structural, functional, and spatial information, amino acid conservation, physicochemical variation, residue mobility, and thermodynamic stability) performed at Invitae indicates that this missense variant is not expected to disrupt TNNT1 protein function with a negative predictive value of 80%. In summary, the available evidence is currently insufficient to determine the role of this variant in disease. Therefore, it has been classified as a Variant of Uncertain Significance.

Ambry Genetics
Classification: Uncertain significance for Inborn genetic diseases. Last evaluated: 2022-03-29. Review status: criteria provided, single submitter. Criteria: Ambry Variant Classification Scheme 2023. Collection method: clinical testing. Allele origin: germline.

Illumina Laboratory Services, Illumina
Classification: Uncertain significance for Nemaline myopathy 5. Last evaluated: 2018-01-12. Review status: criteria provided, single submitter. Criteria: ICSL Variant Classification Criteria 13 December 2019. Collection method: clinical testing. Allele origin: germline.

NM_003283.6(TNNT1):c.487G>A (p.Gly163Ser)

Gene: TNNT1 (troponin T1, slow skeletal type; minus strand). Cytogenetic location: 19q13.42.
Variant type: single nucleotide variant.
Coding change: c.487G>A on transcript NM_003283.6 (MANE Select); coding-DNA position 487, G replaced by A.
Protein change: p.Gly163Ser; replaces glycine 163 with serine.
Molecular consequence: missense variant.
Genome position (GRCh38, 1-based): chr19:55,137,975, C>T on the plus strand (G>A on the coding strand, the complement: TNNT1 is on the minus strand). VCF-style: chr19-55137975-C-T. GRCh37 (hg19) VCF-style: chr19-55649343-C-T.
Other names: c.487G>A, p.Gly163Ser (NM_001126132.3); c.454G>A, p.Gly152Ser (NM_001126133.3, NM_001291774.2); short protein forms G163S, G152S.
Identifiers: ClinVar variation 894347 (VCV000894347.11), dbSNP rs374891900, ClinGen allele CA9667407.